The following is an entry in ClinVar:

NM_015272.5(RPGRIP1L):c.3395A>G (p.Gln1132Arg)

Gene: RPGRIP1L (RPGRIP1 like; minus strand). Cytogenetic location: 16q12.2.
Variant type: single nucleotide variant.
Coding change: c.3395A>G on transcript NM_015272.5 (MANE Select); coding-DNA position 3395, A replaced by G.
Protein change: p.Gln1132Arg; replaces glutamine 1132 with arginine.
Molecular consequence: missense variant. On other transcripts: intron variant (2).
Genome position (GRCh38, 1-based): chr16:53,622,256, T>C on the plus strand (A>G on the coding strand, the complement: RPGRIP1L is on the minus strand). VCF-style: chr16-53622256-T-C. GRCh37 (hg19) VCF-style: chr16-53656168-T-C.
Other names: c.3293A>G, p.Gln1098Arg (NM_001330538.2); c.3193-3048A>G (NM_001127897.4); c.3295-3048A>G (NM_001308334.3); short protein forms Q1132R, Q1098R.
Identifiers: ClinVar variation 167606 (VCV000167606.23), dbSNP rs561414163, ClinGen allele CA234807.
Genomic context (GRCh38, chr16:53,622,256, plus strand): 5'-CTGCTAAAATTACAAAAAATTACCTGGGTGTGGTGGCAGGCACCTGTAATCCCATCTACT[T>C]GGGAGGCTGAGGCAGGAAAATCGCTGGAACCCGGGAGGCGGAAGTTGCAGTGAGCTGAGA-3'
Protein context (NP_056087.2, residues 1122-1142): GSSDFPASAS[Gln1132Arg]VDGITGACHH

ClinVar aggregate classification (germline): Benign/Likely benign. Review status: criteria provided, multiple submitters, no conflicts (2 of 4 stars). 10 submissions from 8 submitters: Benign (9); Likely benign (1). Last evaluated 2026-02-02.

Conditions:
Joubert syndrome 7 (JBTS7). Identifiers: Orphanet 220497, MedGen C1969053, MONDO:0012694, OMIM 611560.
COACH syndrome 3. Identifiers: MedGen C5436841, MONDO:0030862, OMIM 619113.
Meckel syndrome, type 5 (MKS5). Identifiers: Orphanet 564, MedGen C1969052, MONDO:0012695, OMIM 611561.
Kidney disorder. Also called: Nephropathy; Kidney disease; Kidney Diseases; renal disorder; renal disease. Identifiers: MedGen C0022658, MONDO:0005240, HP:0000112.
Joubert syndrome. Also called: JOUBERT-BOLTSHAUSER SYNDROME; Familial aplasia of the vermis. Identifiers: Orphanet 475, MedGen C5979921, MONDO:0018772.
Meckel-Gruber syndrome. Also called: Dysencephalia splachnocystica; DYSENCEPHALIA SPLANCHNOCYSTICA; GRUBER SYNDROME. Identifiers: Orphanet 564, MedGen C0265215, MONDO:0018921.
Nephronophthisis 8. Identifiers: MedGen CN119610.

Allele frequency attached by ClinVar (database versions not stated): gnomAD 0.00154 and 0.00004; ExAC 0.04392; gnomAD exomes 0.00769 and 0.00543; 1000 Genomes Project 30x 0.00984; 1000 Genomes Project 0.00998.
gnomAD v4.1: 2,885 of 657,008 alleles (0.44%); highest among the groups gnomAD compares: South Asian, 4.6%; 91 homozygotes.

Submissions (10):

Labcorp Genetics (formerly Invitae), Labcorp
Classification: Benign for Joubert syndrome; Meckel-Gruber syndrome. Last evaluated: 2026-02-02. Review status: criteria provided, single submitter. Criteria: Invitae Variant Classification Sherloc (09022015). Collection method: clinical testing. Allele origin: germline.

Mayo Clinic Laboratories, Mayo Clinic
Classification: Benign. Last evaluated: 2025-03-13. Review status: criteria provided, single submitter. Criteria: ACMG Guidelines, 2015. Collection method: clinical testing. Allele origin: germline. Observed: 3 variant alleles.
Comment: BS1, BS2, BP4_strong

Fulgent Genetics
Classification: Benign for Joubert syndrome 7; Meckel syndrome, type 5; COACH syndrome 3. Last evaluated: 2021-07-13. Review status: criteria provided, single submitter. Criteria: ACMG Guidelines, 2015. Collection method: clinical testing. Allele origin: unknown.

Genome Diagnostics Laboratory, The Hospital for Sick Children
Classification: Benign for Kidney disorder. Last evaluated: 2018-03-01. Review status: criteria provided, single submitter. Criteria: ACMG Guidelines, 2015. Collection method: clinical testing. Allele origin: germline.

Illumina Laboratory Services, Illumina
Classification: Benign for Nephronophthisis 8. Last evaluated: 2018-01-13. Review status: criteria provided, single submitter. Criteria: ICSL Variant Classification Criteria 13 December 2019. Collection method: clinical testing. Allele origin: germline.
Comment: This variant was observed in the ICSL laboratory as part of a predisposition screen in an ostensibly healthy population. It had not been previously curated by ICSL or reported in the Human Gene Mutation Database (HGMD: prior to June 1st, 2018), and was therefore a candidate for classification through an automated scoring system. Utilizing variant allele frequency, disease prevalence and penetrance estimates, and inheritance mode, an automated score was calculated to assess if this variant is too frequent to cause the disease. Based on the score and internal cut-off values, a variant classified as benign is not then subjected to further curation. The score for this variant resulted in a classification of benign for this disease.

Illumina Laboratory Services, Illumina
Classification: Likely benign for Meckel syndrome, type 5. Last evaluated: 2018-01-13. Review status: criteria provided, single submitter. Criteria: ICSL Variant Classification Criteria 13 December 2019. Collection method: clinical testing. Allele origin: germline.
Comment: This variant was observed in the ICSL laboratory as part of a predisposition screen in an ostensibly healthy population. It had not been previously curated by ICSL or reported in the Human Gene Mutation Database (HGMD: prior to June 1st, 2018), and was therefore a candidate for classification through an automated scoring system. Utilizing variant allele frequency, disease prevalence and penetrance estimates, and inheritance mode, an automated score was calculated to assess if this variant is too frequent to cause the disease. Based on the score and internal cut-off values, a variant classified as likely benign is not then subjected to further curation. The score for this variant resulted in a classification of likely benign for this disease.

Illumina Laboratory Services, Illumina
Classification: Benign for Joubert syndrome 7. Last evaluated: 2018-01-13. Review status: criteria provided, single submitter. Criteria: ICSL Variant Classification Criteria 13 December 2019. Collection method: clinical testing. Allele origin: germline.
Comment: the same text as in the submission from Illumina Laboratory Services, Illumina above.

Eurofins Ntd Llc (ga)
Classification: Benign. Last evaluated: 2017-04-12. Review status: criteria provided, single submitter. Criteria: EGL Classification Definitions 2015. Collection method: clinical testing. Allele origin: germline. Observed: 1 variant allele, 1 heterozygote.

GeneDx
Classification: Benign. Last evaluated: 2016-10-06. Review status: criteria provided, single submitter. Criteria: GeneDx Variant Classification (06012015). Collection method: clinical testing. Allele origin: germline. Affected: yes.
Comment: This variant is considered likely benign or benign based on one or more of the following criteria: it is a conservative change, it occurs at a poorly conserved position in the protein, it is predicted to be benign by multiple in silico algorithms, and/or has population frequency not consistent with disease.

PreventionGenetics, part of Exact Sciences
Classification: Benign. Review status: criteria provided, single submitter. Criteria: ACMG Guidelines, 2015. Collection method: clinical testing. Allele origin: germline.